The following is an entry in ClinVar:

ClinVar aggregate classification (germline): Pathogenic (1 of 4 stars; one submission).

Submission:

Labcorp Genetics (formerly Invitae), Labcorp
Classification: Pathogenic. Last evaluated: 2025-04-14. Review status: criteria provided, single submitter. Criteria: Invitae Variant Classification Sherloc (09022015). Collection method: clinical testing. Allele origin: germline.
Comment: This sequence change replaces glycine, which is neutral and non-polar, with arginine, which is basic and polar, at codon 648 of the PHEX protein (p.Gly648Arg). This variant is not present in population databases (gnomAD no frequency). This missense change has been observed in individual(s) with clinical features of hypophosphatemic rickets (PMID: 30682568, 34333162; internal data). ClinVar contains an entry for this variant (Variation ID: 838024). Invitae Evidence Modeling of protein sequence and biophysical properties (such as structural, functional, and spatial information, amino acid conservation, physicochemical variation, residue mobility, and thermodynamic stability) indicates that this missense variant is expected to disrupt PHEX protein function with a positive predictive value of 95%. For these reasons, this variant has been classified as Pathogenic.

Literature cited by the submitters: PubMed 30682568; PubMed 34333162.

NM_000444.6(PHEX):c.1942G>A (p.Gly648Arg)

Genes: PHEX (phosphate regulating endopeptidase X-linked; plus strand), PTCHD1-AS (PTCHD1 and PHEX antisense RNA; minus strand). Cytogenetic location: Xp22.11.
Variant type: single nucleotide variant.
Coding change: c.1942G>A on transcript NM_000444.6 (MANE Select); coding-DNA position 1942, G replaced by A.
Protein change: p.Gly648Arg; replaces glycine 648 with arginine.
Molecular consequence: missense variant.
Genome position (GRCh38, 1-based): chrX:22,226,485, G>A. VCF-style: chrX-22226485-G-A. GRCh37 (hg19) VCF-style: chrX-22244602-G-A.
Other names: c.1942G>A, p.Gly648Arg (NM_001282754.2); short protein forms G648R.
Identifiers: ClinVar variation 838024 (VCV000838024.9), dbSNP rs1935507597, ClinGen allele CA412574218.